The following is an entry in ClinVar:

NM_005546.4(ITK):c.1201G>T (p.Glu401Ter)

Gene: ITK (IL2 inducible T cell kinase; plus strand). Cytogenetic location: 5q33.3.
Variant type: single nucleotide variant.
Coding change: c.1201G>T on transcript NM_005546.4 (MANE Select); coding-DNA position 1201, G replaced by T.
Protein change: p.Glu401Ter; replaces glutamic acid 401 with a stop codon.
Molecular consequence: nonsense.
Genome position (GRCh38, 1-based): chr5:157,243,763, G>T. VCF-style: chr5-157243763-G-T. GRCh37 (hg19) VCF-style: chr5-156670773-G-T.
Other names: short protein forms E401*.
Identifiers: ClinVar variation 2109594 (VCV002109594.4), dbSNP rs1561664502, ClinGen allele CA361960658.

ClinVar aggregate classification (germline): Pathogenic (1 of 4 stars; one submission).

Conditions:
Lymphoproliferative syndrome 1 (LPFS1). Identifiers: Orphanet 238505, Orphanet 538963, MedGen C3552634, MONDO:0013081, OMIM 613011.

Submission:

Labcorp Genetics (formerly Invitae), Labcorp
Classification: Pathogenic for Lymphoproliferative syndrome 1. Last evaluated: 2022-03-14. Review status: criteria provided, single submitter. Criteria: Invitae Variant Classification Sherloc (09022015). Collection method: clinical testing. Allele origin: germline.
Comment: For these reasons, this variant has been classified as Pathogenic. Algorithms developed to predict the effect of sequence changes on RNA splicing suggest that this variant may disrupt the consensus splice site. This variant has not been reported in the literature in individuals affected with ITK-related conditions. This variant is not present in population databases (gnomAD no frequency). This sequence change creates a premature translational stop signal (p.Glu401*) in the ITK gene. It is expected to result in an absent or disrupted protein product. Loss-of-function variants in ITK are known to be pathogenic (PMID: 16860760, 22289921, 26056787).

Literature cited by the submitters: PubMed 16860760; PubMed 22289921; PubMed 26056787.